The following is an entry in ClinVar:

ClinVar aggregate classification (germline): Uncertain significance (1 of 4 stars; one submission).

Conditions:
KBG syndrome (KBGS). Also called: ANKRD11-Related KBG Syndrome. Identifiers: Orphanet 2332, MedGen C0220687, MONDO:0007846, OMIM 148050.

gnomAD v4.1: 1 of 1,614,166 alleles (0.000062%); highest among the groups gnomAD compares: Admixed American, 0.0017%; no homozygotes.

Submission:

Labcorp Genetics (formerly Invitae), Labcorp
Classification: Uncertain significance for KBG syndrome. Last evaluated: 2024-06-26. Review status: criteria provided, single submitter. Criteria: Invitae Variant Classification Sherloc (09022015). Collection method: clinical testing. Allele origin: germline.
Comment: This sequence change replaces valine, which is neutral and non-polar, with leucine, which is neutral and non-polar, at codon 1766 of the ANKRD11 protein (p.Val1766Leu). This variant is present in population databases (no rsID available, gnomAD 0.003%). This variant has not been reported in the literature in individuals affected with ANKRD11-related conditions. Advanced modeling of protein sequence and biophysical properties (such as structural, functional, and spatial information, amino acid conservation, physicochemical variation, residue mobility, and thermodynamic stability) performed at Invitae indicates that this missense variant is not expected to disrupt ANKRD11 protein function with a negative predictive value of 95%. In summary, the available evidence is currently insufficient to determine the role of this variant in disease. Therefore, it has been classified as a Variant of Uncertain Significance.

NM_013275.6(ANKRD11):c.5296G>T (p.Val1766Leu)

Gene: ANKRD11 (ankyrin repeat domain 11; minus strand). Cytogenetic location: 16q24.3.
Variant type: single nucleotide variant.
Coding change: c.5296G>T on transcript NM_013275.6 (MANE Select); coding-DNA position 5296, G replaced by T.
Protein change: p.Val1766Leu; replaces valine 1766 with leucine.
Molecular consequence: missense variant.
Genome position (GRCh38, 1-based): chr16:89,281,246, C>A on the plus strand (G>T on the coding strand, the complement: ANKRD11 is on the minus strand). VCF-style: chr16-89281246-C-A. GRCh37 (hg19) VCF-style: chr16-89347654-C-A.
Other names: c.5296G>T, p.Val1766Leu (NM_001256182.2, NM_001256183.2); short protein forms V1766L.
Identifiers: ClinVar variation 3704774 (VCV003704774.2).